The following is an entry in ClinVar:

NM_000287.4(PEX6):c.1757C>T (p.Ala586Val)

Gene: PEX6 (peroxisomal biogenesis factor 6; minus strand). Cytogenetic location: 6p21.1.
Variant type: single nucleotide variant.
Coding change: c.1757C>T on transcript NM_000287.4 (MANE Select); coding-DNA position 1757, C replaced by T.
Protein change: p.Ala586Val; replaces alanine 586 with valine.
Molecular consequence: missense variant. On other transcripts: non-coding transcript variant (1).
Genome position (GRCh38, 1-based): chr6:42,967,495, G>A on the plus strand (C>T on the coding strand, the complement: PEX6 is on the minus strand). VCF-style: chr6-42967495-G-A. GRCh37 (hg19) VCF-style: chr6-42935233-G-A.
Other names: p.Ala586Val; c.1493C>T, p.Ala498Val (NM_001316313.2); short protein forms A586V, A498V.
Identifiers: ClinVar variation 500941 (VCV000500941.20), dbSNP rs146416679, ClinGen allele CA3811225.

ClinVar aggregate classification (germline): Conflicting classifications of pathogenicity. Review status: criteria provided, conflicting classifications (1 of 4 stars). 9 submissions from 9 submitters: Uncertain significance (6); Likely benign (1). 2 of the submissions do not count toward it. Last evaluated 2026-01-22.

Conditions:
PEX6-related disorder. Also called: PEX6-related condition; PEX6-related disorders.
Heimler syndrome 2 (HMLR2). Also called: PEROXISOME BIOGENESIS DISORDER 4C. Identifiers: Orphanet 3220, MedGen C4225267, OMIM 616617, MONDO:0014709.
Zellweger spectrum disorders (ZS). Also called: Zellweger Spectrum Disorder; Zellweger Spectrum; Zellweger Spectrum Disorder (ZSD); Zellweger syndrome. Identifiers: Orphanet 912, MedGen C0043459, MONDO:0019609.
Peroxisome biogenesis disorder. Identifiers: Orphanet 79189, MedGen C1832200, MONDO:0019234. Disease mechanism: loss of function.
Inborn genetic diseases. Identifiers: MedGen C0950123, MeSH D030342.

Allele frequency attached by ClinVar (database versions not stated): gnomAD exomes 0.00002 and 0.00007; ExAC 0.00012; 1000 Genomes Project 30x 0.00016; 1000 Genomes Project 0.00020; gnomAD 0.00036 and 0.00039; TOPMed 0.00037; ESP Exome Variant Server 0.00046.
gnomAD v4.1: 92 of 1,610,182 alleles (0.0057%); highest among the groups gnomAD compares: African/African-American, 0.1%; no homozygotes.

Submissions (9):

Labcorp Genetics (formerly Invitae), Labcorp
Classification: Likely benign for Peroxisome biogenesis disorder. Last evaluated: 2026-01-22. Review status: criteria provided, single submitter. Criteria: Invitae Variant Classification Sherloc (09022015). Collection method: clinical testing. Allele origin: germline.

Mayo Clinic Laboratories, Mayo Clinic
Classification: Uncertain significance. Last evaluated: 2024-07-18. Review status: criteria provided, single submitter. Criteria: ACMG Guidelines, 2015. Collection method: clinical testing. Allele origin: germline. Observed: 1 variant allele.
Comment: BS1, PP3

Ambry Genetics
Classification: Uncertain significance for Inborn genetic diseases. Last evaluated: 2024-05-01. Review status: criteria provided, single submitter. Criteria: Ambry Variant Classification Scheme 2023. Collection method: clinical testing. Allele origin: germline.

Revvity Omics, Revvity
Classification: Uncertain significance. Last evaluated: 2022-06-10. Review status: criteria provided, single submitter. Criteria: ACMG Guidelines, 2015. Collection method: clinical testing. Allele origin: germline.

Blueprint Genetics
Classification: Uncertain significance. Last evaluated: 2021-08-10. Review status: criteria provided, single submitter. Criteria: ACMG Guidelines, 2015. Collection method: clinical testing. Allele origin: germline.

Eurofins Ntd Llc (ga)
Classification: Uncertain significance. Last evaluated: 2018-06-28. Review status: criteria provided, single submitter. Criteria: EGL ClinVar v180209 classification definitions. Collection method: clinical testing. Allele origin: germline. Observed: 3 variant alleles, 3 heterozygotes.

Baylor Genetics
Classification: Uncertain significance for Heimler syndrome 2. Last evaluated: 2018-05-10. Review status: criteria provided, single submitter. Criteria: ACMG Guidelines, 2015. Collection method: clinical testing. Allele origin: unknown. Affected: yes.
Comment: This variant was determined to be of uncertain significance according to ACMG Guidelines, 2015 [PMID:25741868].

PreventionGenetics, part of Exact Sciences
Classification: Uncertain significance for PEX6-related condition. Last evaluated: 2024-07-01. Review status: no assertion criteria provided. Collection method: clinical testing. Allele origin: germline. Not counted in ClinVar's aggregate classification.
Comment: The PEX6 c.1757C>T variant is predicted to result in the amino acid substitution p.Ala586Val. To our knowledge, this variant has not been reported in the literature. This variant is reported in 0.13% of alleles in individuals of African descent in gnomAD. Although we suspect that this variant may be benign, at this time, the clinical significance of this variant is uncertain due to the absence of conclusive functional and genetic evidence.

Natera, Inc.
Classification: Uncertain significance for Zellweger syndrome. Last evaluated: 2019-10-28. Review status: no assertion criteria provided. Collection method: clinical testing. Allele origin: germline. Not counted in ClinVar's aggregate classification.